The following is an entry in ClinVar:

ClinVar aggregate classification (germline): Conflicting classifications of pathogenicity. Review status: criteria provided, conflicting classifications (1 of 4 stars). 5 submissions from 5 submitters: Uncertain significance (1); Likely benign (4). Last evaluated 2026-01-21.

Conditions:
Cardiovascular phenotype. Identifiers: MedGen CN230736.
Dilated cardiomyopathy 1DD (CMD1DD). Identifiers: Orphanet 154, MedGen C2750995, MONDO:0013168, OMIM 613172.

Allele frequency attached by ClinVar (database versions not stated): TOPMed 0.00012; 1000 Genomes Project 30x 0.00031.
gnomAD v4.1: 33 of 1,503,672 alleles (0.0022%); highest among the groups gnomAD compares: Admixed American, 0.072%; no homozygotes.

Submissions (5):

Labcorp Genetics (formerly Invitae), Labcorp
Classification: Likely benign for Dilated cardiomyopathy 1DD. Last evaluated: 2026-01-21. Review status: criteria provided, single submitter. Criteria: Invitae Variant Classification Sherloc (09022015). Collection method: clinical testing. Allele origin: germline.

CeGaT Center for Human Genetics Tuebingen
Classification: Likely benign. Last evaluated: 2025-10-01. Review status: criteria provided, single submitter. Criteria: CeGaT Center For Human Genetics Tuebingen Variant Classification Criteria Version 2. Collection method: clinical testing. Allele origin: germline. Affected: yes. Observed: 1 variant allele.
Comment: RBM20: BP4

Ambry Genetics
Classification: Likely benign for Cardiovascular phenotype. Last evaluated: 2020-03-18. Review status: criteria provided, single submitter. Criteria: Ambry Variant Classification Scheme 2023. Collection method: clinical testing. Allele origin: germline.

GeneDx
Classification: Likely benign. Last evaluated: 2018-03-26. Review status: criteria provided, single submitter. Criteria: GeneDx Variant Classification Process June 2021. Collection method: clinical testing. Allele origin: germline. Affected: yes.

Eurofins Ntd Llc (ga)
Classification: Uncertain significance. Last evaluated: 2015-05-04. Review status: criteria provided, single submitter. Criteria: EGL Classification Definitions 2015. Collection method: clinical testing. Allele origin: germline. Observed: 3 variant alleles, 3 heterozygotes.

NM_001134363.3(RBM20):c.3331G>T (p.Val1111Leu)

Gene: RBM20 (RNA binding motif protein 20; plus strand). Cytogenetic location: 10q25.2.
Variant type: single nucleotide variant.
Coding change: c.3331G>T on transcript NM_001134363.3 (MANE Select); coding-DNA position 3331, G replaced by T.
Protein change: p.Val1111Leu; replaces valine 1111 with leucine.
Molecular consequence: missense variant.
Genome position (GRCh38, 1-based): chr10:110,823,494, G>T. VCF-style: chr10-110823494-G-T. GRCh37 (hg19) VCF-style: chr10-112583252-G-T.
Other names: c.3331G>T (LRG_382t1); short protein forms V1111L.
Identifiers: ClinVar variation 194027 (VCV000194027.28), dbSNP rs77110978, ClinGen allele CA239809.
Genomic context (GRCh38, chr10:110,823,494, plus strand): 5'-TTTTTTTTTTTTTTTTTTTTTTTTTGCCTTGGTTCATGTTTTGCAGAAAACTCCAGGTAC[G>T]TGGAAATGAAATCTCTGGAGGTGAGGTCACCAGAGTACACTGAAGTGGAACTGAAACAGC-3'
Protein context (NP_001127835.2, residues 1101-1121): EVLTPENSRY[Val1111Leu]EMKSLEVRSP